The following is an entry in ClinVar:

ClinVar aggregate classification (germline): Uncertain significance. Review status: criteria provided, multiple submitters, no conflicts (2 of 4 stars). 2 submissions from 2 submitters: Uncertain significance (2). Last evaluated 2024-11-14.

Conditions:
Hereditary cancer-predisposing syndrome. Also called: Hereditary neoplastic syndrome; Neoplastic Syndromes, Hereditary; Tumor predisposition; Hereditary Cancer Syndrome. Identifiers: Orphanet 140162, MedGen C0027672, MeSH D009386, MONDO:0015356.
Familial meningioma. Also called: Meningioma, familial, susceptibility to. Identifiers: Orphanet 263662, MedGen C3551915, MONDO:0011789, OMIM 607174.

Allele frequency attached by ClinVar (database versions not stated): gnomAD exomes below 0.00001.
gnomAD v4.1: 3 of 1,613,284 alleles (0.00019%); highest among the groups gnomAD compares: Non-Finnish European, 0.00025%; no homozygotes.

Submissions (2):

Ambry Genetics
Classification: Uncertain significance for Hereditary cancer-predisposing syndrome. Last evaluated: 2024-11-14. Review status: criteria provided, single submitter. Criteria: Ambry Variant Classification Scheme 2023. Collection method: clinical testing. Allele origin: germline.
Comment: The p.E406A variant (also known as c.1217A>C), located in coding exon 10 of the SMARCE1 gene, results from an A to C substitution at nucleotide position 1217. The glutamic acid at codon 406 is replaced by alanine, an amino acid with dissimilar properties. This amino acid position is conserved. In addition, this alteration is predicted to be tolerated by in silico analysis. Based on the available evidence, the clinical significance of this variant remains unclear.

Labcorp Genetics (formerly Invitae), Labcorp
Classification: Uncertain significance for Familial meningioma. Last evaluated: 2019-06-04. Review status: criteria provided, single submitter. Criteria: Invitae Variant Classification Sherloc (09022015). Collection method: clinical testing. Allele origin: germline.
Comment: In summary, the available evidence is currently insufficient to determine the role of this variant in disease. Therefore, it has been classified as a Variant of Uncertain Significance. Algorithms developed to predict the effect of missense changes on protein structure and function (SIFT, PolyPhen-2, Align-GVGD) all suggest that this variant is likely to be tolerated, but these predictions have not been confirmed by published functional studies and their clinical significance is uncertain. This variant has not been reported in the literature in individuals with SMARCE1-related conditions. This variant is not present in population databases (ExAC no frequency). This sequence change replaces glutamic acid with alanine at codon 406 of the SMARCE1 protein (p.Glu406Ala). The glutamic acid residue is moderately conserved and there is a moderate physicochemical difference between glutamic acid and alanine.

NM_003079.5(SMARCE1):c.1217A>C (p.Glu406Ala)

Gene: SMARCE1 (SWI/SNF related BAF chromatin remodeling complex subunit E1; minus strand). Cytogenetic location: 17q21.2.
Variant type: single nucleotide variant.
Coding change: c.1217A>C on transcript NM_003079.5 (MANE Select); coding-DNA position 1217, A replaced by C.
Protein change: p.Glu406Ala; replaces glutamic acid 406 with alanine.
Molecular consequence: missense variant.
Genome position (GRCh38, 1-based): chr17:40,628,804, T>G on the plus strand (A>C on the coding strand, the complement: SMARCE1 is on the minus strand). VCF-style: chr17-40628804-T-G. GRCh37 (hg19) VCF-style: chr17-38785056-T-G.
Other names: short protein forms E406A.
Identifiers: ClinVar variation 940411 (VCV000940411.10), dbSNP rs2037060002, ClinGen allele CA399360779.